The following is an entry in ClinVar:

ClinVar aggregate classification (germline): Pathogenic (1 of 4 stars; one submission).

Conditions:
Rhabdoid tumor predisposition syndrome 2 (RTPS2). Identifiers: Orphanet 231108, Orphanet 69077, MedGen C2750074, MONDO:0013224, OMIM 613325.

Allele frequency attached by ClinVar (database versions not stated): gnomAD exomes below 0.00001.

Submission:

Labcorp Genetics (formerly Invitae), Labcorp
Classification: Pathogenic for Rhabdoid tumor predisposition syndrome 2. Last evaluated: 2022-09-20. Review status: criteria provided, single submitter. Criteria: Invitae Variant Classification Sherloc (09022015). Collection method: clinical testing. Allele origin: germline.
Comment: For these reasons, this variant has been classified as Pathogenic. ClinVar contains an entry for this variant (Variation ID: 470331). This variant is also known as c.301delAG. This premature translational stop signal has been observed in individual(s) with small cell carcinoma of the ovary, hypercalcemic type (PMID: 26230154). This variant is not present in population databases (gnomAD no frequency). This sequence change creates a premature translational stop signal (p.Gly102Profs*26) in the SMARCA4 gene. It is expected to result in an absent or disrupted protein product. Loss-of-function variants in SMARCA4 are known to be pathogenic (PMID: 24658001, 24658002).

Literature cited by the submitters: PubMed 26230154; PubMed 24658001; PubMed 24658002.

NM_003072.5(SMARCA4):c.300_301del (p.Gly102fs)

Gene: SMARCA4 (SWI/SNF related BAF chromatin remodeling complex subunit ATPase 4; plus strand). Cytogenetic location: 19p13.2.
Variant type: Deletion.
Coding change: c.300_301del on transcript NM_003072.5 (MANE Select); coding-DNA positions 300 to 301, 2 bases deleted (AG; older notation c.300_301delAG).
Protein change: p.Gly102fs; shifts the reading frame from glycine 102.
Molecular consequence: frameshift variant. On other transcripts: non-coding transcript variant (1).
Genome position (GRCh38, 1-based): chr19:10,985,350-10,985,351, AG deleted. VCF-style (leftmost placement, unchanged base first): chr19-10985349-CAG-C. GRCh37 (hg19) VCF-style: chr19-11096025-CAG-C.
Other names: c.300_301del, p.Gly102fs (NM_001128844.3, NM_001128845.2, NM_001128846.2 and 5 more transcripts); short protein forms G102fs.
Identifiers: ClinVar variation 470331 (VCV000470331.8), dbSNP rs780424104, ClinGen allele CA305286208.